The following is an entry in ClinVar:

ClinVar aggregate classification (germline): Uncertain significance (1 of 4 stars; one submission).

gnomAD v4.1: 2 of 1,613,830 alleles (0.00012%); highest among the groups gnomAD compares: Admixed American, 0.0017%; no homozygotes.

Submission:

Labcorp Genetics (formerly Invitae), Labcorp
Classification: Uncertain significance. Last evaluated: 2025-02-06. Review status: criteria provided, single submitter. Criteria: Invitae Variant Classification Sherloc (09022015). Collection method: clinical testing. Allele origin: germline.
Comment: This sequence change replaces proline, which is neutral and non-polar, with serine, which is neutral and polar, at codon 152 of the MCM5 protein (p.Pro152Ser). This variant is present in population databases (no rsID available, gnomAD 0.003%). This variant has not been reported in the literature in individuals affected with MCM5-related conditions. Invitae Evidence Modeling of protein sequence and biophysical properties (such as structural, functional, and spatial information, amino acid conservation, physicochemical variation, residue mobility, and thermodynamic stability) indicates that this missense variant is not expected to disrupt MCM5 protein function with a negative predictive value of 80%. In summary, the available evidence is currently insufficient to determine the role of this variant in disease. Therefore, it has been classified as a Variant of Uncertain Significance.

NM_006739.4(MCM5):c.454C>T (p.Pro152Ser)

Gene: MCM5 (minichromosome maintenance complex component 5; plus strand). Cytogenetic location: 22q12.3.
Variant type: single nucleotide variant.
Coding change: c.454C>T on transcript NM_006739.4 (MANE Select); coding-DNA position 454, C replaced by T.
Protein change: p.Pro152Ser; replaces proline 152 with serine.
Molecular consequence: missense variant.
Genome position (GRCh38, 1-based): chr22:35,406,583, C>T. VCF-style: chr22-35406583-C-T. GRCh37 (hg19) VCF-style: chr22-35802576-C-T.
Other names: short protein forms P152S.
Identifiers: ClinVar variation 4697191 (VCV004697191.1).